The following is an entry in ClinVar:

NM_000535.7(PMS2):c.706-3C>T

Gene: PMS2 (PMS1 homolog 2, mismatch repair system component; minus strand). Cytogenetic location: 7p22.1.
Variant type: single nucleotide variant.
Coding change: c.706-3C>T on transcript NM_000535.7 (MANE Select); 3 bases into the intron before coding-DNA position 706, C replaced by T.
Molecular consequence: intron variant.
Genome position (GRCh38, 1-based): chr7:5,997,426, G>A on the plus strand (C>T on the coding strand, the complement: PMS2 is on the minus strand). VCF-style: chr7-5997426-G-A. GRCh37 (hg19) VCF-style: chr7-6037057-G-A.
Other names: c.388-3C>T (NM_001322008.2, NM_001322007.2); c.301-3C>T (NM_001322010.2, NM_001322004.2, NM_001322003.2 and 2 more transcripts); c.133-3C>T (NM_001322013.2); c.-228-3C>T (NM_001322012.2, NM_001322011.2); c.397-3C>T (NM_001322015.2); c.706-3C>T (NM_001322006.2, NM_001322014.2).
Identifiers: ClinVar variation 492288 (VCV000492288.19), dbSNP rs1229860023, ClinGen allele CA572548192.

ClinVar aggregate classification (germline): Conflicting classifications of pathogenicity. Review status: criteria provided, conflicting classifications (1 of 4 stars). 6 submissions from 6 submitters: Uncertain significance (1); Likely benign (5). Last evaluated 2025-03-04.

Conditions:
Lynch syndrome. Identifiers: Orphanet 144, MedGen C4552100, MONDO:0005835. Disease mechanism: loss of function.
Lynch syndrome 4 (LYNCH4). Also called: Colorectal cancer, hereditary nonpolyposis, type 4; Hereditary non-polyposis colorectal cancer, type 4. Identifiers: Orphanet 144, MedGen C1838333, MONDO:0013699, OMIM 614337. Disease mechanism: loss of function.
Hereditary nonpolyposis colorectal neoplasms. Identifiers: MedGen C0009405, MeSH D003123.
Hereditary cancer-predisposing syndrome. Also called: Hereditary neoplastic syndrome; Tumor predisposition; Hereditary Cancer Syndrome; Neoplastic Syndromes, Hereditary. Identifiers: Orphanet 140162, MedGen C0027672, MeSH D009386, MONDO:0015356.

Allele frequency attached by ClinVar (database versions not stated): gnomAD 0.00030.

Submissions (9):

Center for Genomic Medicine, Rigshospitalet, Copenhagen University Hospital
Classification: Likely benign. Last evaluated: 2025-03-04. Review status: criteria provided, single submitter. Criteria: ACMG Guidelines, 2015. Collection method: clinical testing. Allele origin: germline.

All of Us Research Program, National Institutes of Health
Classification: Likely benign for Lynch syndrome. Last evaluated: 2024-07-20. Review status: criteria provided, single submitter. Criteria: ACMG Guidelines, 2015. Collection method: clinical testing. Allele origin: germline. Inheritance: Autosomal dominant inheritance. Observed: 5 variant alleles, 5 heterozygotes.
Comment: This study involves interpretation of variants in research participants for the purpose of population health screening. Participant phenotype was not available at the time of variant classification. Additional details can be found in publication PMID: 35346344, PMCID: PMC8962531

Ambry Genetics
Classification: Likely benign for Hereditary cancer-predisposing syndrome. Last evaluated: 2020-03-04. Review status: criteria provided, single submitter. Criteria: Ambry Variant Classification Scheme 2023. Collection method: clinical testing. Allele origin: germline.

Labcorp Genetics (formerly Invitae), Labcorp
Classification: Uncertain significance for Hereditary nonpolyposis colorectal neoplasms. Last evaluated: 2019-06-28. Review status: criteria provided, single submitter. Criteria: Invitae Variant Classification Sherloc (09022015). Collection method: clinical testing. Allele origin: germline.
Comment: This sequence change falls in intron 6 of the PMS2 gene. It does not directly change the encoded amino acid sequence of the PMS2 protein, but it affects a nucleotide within the consensus splice site of the intron. This variant is not present in population databases (ExAC no frequency). This variant has not been reported in the literature in individuals with PMS2-related disease. ClinVar contains an entry for this variant (Variation ID: 492288). Nucleotide substitutions within the consensus splice site are a relatively common cause of aberrant splicing (PMID: 17576681, 9536098). Algorithms developed to predict the effect of sequence changes on RNA splicing suggest that this variant is not likely to affect RNA splicing, but this prediction has not been confirmed by published transcriptional studies. In summary, the available evidence is currently insufficient to determine the role of this variant in disease. Therefore, it has been classified as a Variant of Uncertain Significance.

Mendelics
Classification: Likely benign for Lynch syndrome 4. Last evaluated: 2019-05-28. Review status: criteria provided, single submitter. Criteria: Mendelics Assertion Criteria 2017. Collection method: clinical testing. Allele origin: unknown.

Color Diagnostics, LLC DBA Color Health
Classification: Likely benign for Hereditary cancer-predisposing syndrome. Last evaluated: 2017-06-02. Review status: criteria provided, single submitter. Criteria: ACMG Guidelines, 2015. Collection method: clinical testing. Allele origin: germline.

Dr. Peter K. Rogan Lab, Western University
No classification provided (evidence only). Condition: Thymoma. Review status: no classification provided. Collection method: in vitro. Allele origin: not applicable. Functional consequence: retained intron. Not counted in ClinVar's aggregate classification.

Dr. Peter K. Rogan Lab, Western University
No classification provided (evidence only). Condition: Cholangiocarcinoma. Review status: no classification provided. Collection method: in vitro. Allele origin: not applicable. Functional consequence: retained intron. Not counted in ClinVar's aggregate classification.

Dr. Peter K. Rogan Lab, Western University
No classification provided (evidence only). Condition: Malignant tumor of esophagus. Review status: no classification provided. Collection method: in vitro. Allele origin: not applicable. Functional consequence: skipped exon, retained intron. Not counted in ClinVar's aggregate classification.

Literature cited by the submitters: PubMed 17576681 (cited by Labcorp Genetics (formerly Invitae), Labcorp); PubMed 9536098 (cited by Labcorp Genetics (formerly Invitae), Labcorp).